The following is an entry in ClinVar:

NM_138615.3(DHX30):c.3470T>G (p.Leu1157Arg)

Gene: DHX30 (DExH-box helicase 30; plus strand). Cytogenetic location: 3p21.31.
Variant type: single nucleotide variant.
Coding change: c.3470T>G on transcript NM_138615.3 (MANE Select); coding-DNA position 3470, T replaced by G.
Protein change: p.Leu1157Arg; replaces leucine 1157 with arginine.
Molecular consequence: missense variant.
Genome position (GRCh38, 1-based): chr3:47,850,005, T>G. VCF-style: chr3-47850005-T-G. GRCh37 (hg19) VCF-style: chr3-47891495-T-G.
Other names: c.3386T>G, p.Leu1129Arg (NM_001330990.2); c.3353T>G, p.Leu1118Arg (NM_014966.4); short protein forms L1118R, L1129R, L1157R.
Identifiers: ClinVar variation 4882096 (VCV004882096.2).

ClinVar aggregate classification (germline): Uncertain significance (1 of 4 stars; one submission).

Conditions:
Neurodevelopmental disorder with severe motor impairment and absent language. Also called: NEURODEVELOPMENTAL DISORDER WITH VARIABLE MOTOR AND LANGUAGE IMPAIRMENT. Identifiers: Orphanet 647788, MedGen C4540496, MONDO:0060622, OMIM 617804.

Submission:

Dasa
Classification: Uncertain significance for Neurodevelopmental disorder with severe motor impairment and absent language. Last evaluated: 2025-09-12. Review status: criteria provided, single submitter. Criteria: DASA Assertion Criteria. Collection method: clinical testing. Allele origin: germline.
Comment: NM_138615.3(DHX30):c.3470T>G (p.Leu1157Arg) is a missense variant that results in the substitution of leucine with arginine. This variant is absent from population databases. Computational prediction algorithms are consistent with a benign effect. The currently available literature and clinical evidence are not sufficient to establish a definitive association between this variant and the reported condition. Therefore, this variant is classified as a variant of uncertain significance.